The following is an entry in ClinVar:

ClinVar aggregate classification (germline): Likely benign (1 of 4 stars; one submission).

Allele frequency attached by ClinVar (database versions not stated): 1000 Genomes Project 30x 0.00016; 1000 Genomes Project 0.00020; gnomAD exomes 0.00095; TOPMed 0.00051; gnomAD 0.00064; ExAC 0.03125.
gnomAD v4.1: 1,110 of 1,231,600 alleles (0.09%); highest among the groups gnomAD compares: Non-Finnish European, 0.11%; 3 homozygotes.

Submission:

CeGaT Center for Human Genetics Tuebingen
Classification: Likely benign. Last evaluated: 2025-11-01. Review status: criteria provided, single submitter. Criteria: CeGaT Center For Human Genetics Tuebingen Variant Classification Criteria Version 2. Collection method: clinical testing. Allele origin: germline. Affected: yes. Observed: 4 variant alleles.
Comment: NFIB: BP4, BS1

NM_001190738.2(NFIB):c.109-14444T>C

Genes: NFIB (nuclear factor I B; minus strand), NFIB-AS1 (NFIB antisense RNA 1; plus strand). Cytogenetic location: 9p22.3.
Variant type: single nucleotide variant.
Coding change: c.109-14444T>C on transcript NM_001190738.2; 14444 bases into the intron before coding-DNA position 109, T replaced by C.
Molecular consequence: intron variant. On other transcripts: 5 prime UTR variant (7), non-coding transcript variant (1).
Genome position (GRCh38, 1-based): chr9:14,321,964, A>G on the plus strand (T>C on the coding strand, the complement: NFIB is on the minus strand). VCF-style: chr9-14321964-A-G. GRCh37 (hg19) VCF-style: chr9-14321963-A-G.
Other names: c.-6T>C (NM_001369460.1, NM_001369463.1, NM_001369466.1 and 4 more transcripts); c.97-14444T>C (NM_001369468.1, NM_001369462.1, NM_001369459.1 and 1 more transcripts).
Identifiers: ClinVar variation 2659079 (VCV002659079.22), dbSNP rs546452680, ClinGen allele CA4988763.